The following is an entry in ClinVar:

ClinVar aggregate classification (germline): Likely pathogenic. Review status: criteria provided, multiple submitters, no conflicts (2 of 4 stars). 4 submissions from 4 submitters: Likely pathogenic (3). 1 of the submissions does not count toward it. Last evaluated 2025-02-13.

Conditions:
Glycogen storage disease, type IV (GSD4). Also called: AMYLOPECTINOSIS; ANDERSEN DISEASE; BRANCHER DEFICIENCY; CIRRHOSIS, FAMILIAL, WITH DEPOSITION OF ABNORMAL GLYCOGEN; GBE1 DEFICIENCY; GLYCOGEN BRANCHING ENZYME DEFICIENCY. Identifiers: Orphanet 367, MedGen C0017923, MONDO:0009292, OMIM 232500.
Glycogen storage disease IV, classic hepatic. Also called: GSD IV, CLASSIC HEPATIC. Identifiers: MedGen C1856301.

Allele frequency attached by ClinVar (database versions not stated): gnomAD 0.00001; TOPMed 0.00001; ExAC 0.00003.
gnomAD v4.1: 3 of 1,376,862 alleles (0.00022%); highest among the groups gnomAD compares: Admixed American, 0.0039%; no homozygotes.

Submissions (4):

Natera, Inc.
Classification: Likely pathogenic for Glycogen storage disease type IV. Last evaluated: 2025-02-13. Review status: criteria provided, single submitter. Criteria: Natera Variant Classification Schema (03/2026). Collection method: clinical testing. Allele origin: germline.
Comment: The c.993-1G>T variant in GBE1 is a canonical splice acceptor site variant predicted to affect pre-mRNA splicing, which may result in an abnormal transcript and altered protein product. This variant is expected to result in nonsense mediated decay, truncation, or a dysfunctional protein product. This variant is rare in the general population with a frequency below the threshold expected for the associated phenotype(s). Given the available evidence, this variant is classified as Likely Pathogenic.

Labcorp Genetics (formerly Invitae), Labcorp
Classification: Likely pathogenic for Glycogen storage disease, type IV; Glycogen storage disease IV, classic hepatic. Last evaluated: 2023-12-18. Review status: criteria provided, single submitter. Criteria: Invitae Variant Classification Sherloc (09022015). Collection method: clinical testing. Allele origin: germline.
Comment: This sequence change affects an acceptor splice site in intron 7 of the GBE1 gene. It is expected to disrupt RNA splicing. Variants that disrupt the donor or acceptor splice site typically lead to a loss of protein function (PMID: 16199547), and loss-of-function variants in GBE1 are known to be pathogenic (PMID: 15452297, 20058079). The frequency data for this variant in the population databases is considered unreliable, as metrics indicate poor data quality at this position in the gnomAD database. Disruption of this splice site has been observed in individual(s) with clinical features of glycogen storage disease (PMID: 32617483). ClinVar contains an entry for this variant (Variation ID: 478912). Algorithms developed to predict the effect of sequence changes on RNA splicing suggest that this variant may disrupt the consensus splice site. In summary, the currently available evidence indicates that the variant is pathogenic, but additional data are needed to prove that conclusively. Therefore, this variant has been classified as Likely Pathogenic.

Baylor Genetics
Classification: Likely pathogenic for Glycogen storage disease, type IV. Last evaluated: 2023-12-16. Review status: criteria provided, single submitter. Criteria: ACMG Guidelines, 2015. Collection method: clinical testing. Allele origin: unknown.

Jacobi Internal Medicine Residency Program, Jacobi Medical Center
Classification: Pathogenic for Glycogen Storage Disease Type IV. Review status: no assertion criteria provided. Collection method: clinical testing. Allele origin: unknown. Affected: yes. Observed: 1 variant allele, 1 compound heterozygote. Not counted in ClinVar's aggregate classification.

Literature cited by the submitters: PubMed 16199547 (cited by Labcorp Genetics (formerly Invitae), Labcorp); PubMed 15452297 (cited by Labcorp Genetics (formerly Invitae), Labcorp); PubMed 20058079 (cited by Labcorp Genetics (formerly Invitae), Labcorp); PubMed 32617483 (cited by Labcorp Genetics (formerly Invitae), Labcorp).

NM_000158.4(GBE1):c.993-1G>T

Gene: GBE1 (1,4-alpha-glucan branching enzyme 1; minus strand). Cytogenetic location: 3p12.2.
Variant type: single nucleotide variant.
Coding change: c.993-1G>T on transcript NM_000158.4 (MANE Select); the canonical splice acceptor site of the intron before coding-DNA position 993, G replaced by T.
Molecular consequence: splice acceptor variant.
Genome position (GRCh38, 1-based): chr3:81,594,024, C>A on the plus strand (G>T on the coding strand, the complement: GBE1 is on the minus strand). VCF-style: chr3-81594024-C-A. GRCh37 (hg19) VCF-style: chr3-81643175-C-A.
Identifiers: ClinVar variation 478912 (VCV000478912.8), dbSNP rs763016962, ClinGen allele CA2499810.
Genomic context (GRCh38, chr3:81,594,024, plus strand): 5'-AAGCGATATTCTTCCAACCACCATCTTATGTTTGACAGAAGGAATCTTAAAATTTCCCAG[C>A]TAAAATATAAGAGAAATATGTATTTAAGCAAAATGTGAAGAGCATTTTCCTTAACTGTTA-3'